The following is an entry in ClinVar:

ClinVar aggregate classification (germline): Uncertain significance. Review status: criteria provided, multiple submitters, no conflicts (2 of 4 stars). 2 submissions from 2 submitters: Uncertain significance (2). Last evaluated 2024-07-03.

Conditions:
Hypertrophic cardiomyopathy. Also called: HYPERTROPHIC MYOCARDIOPATHY. Identifiers: Orphanet 217569, MedGen C0007194, MeSH D002312, MONDO:0005045, HP:0001639.

Allele frequency attached by ClinVar (database versions not stated): TOPMed below 0.00001; ExAC 0.00001; gnomAD 0.00001.
gnomAD v4.1: 7 of 1,611,548 alleles (0.00043%); highest among the groups gnomAD compares: Admixed American, 0.012%; no homozygotes.

Submissions (2):

Labcorp Genetics (formerly Invitae), Labcorp
Classification: Uncertain significance for Hypertrophic cardiomyopathy. Last evaluated: 2024-07-03. Review status: criteria provided, single submitter. Criteria: Invitae Variant Classification Sherloc (09022015). Collection method: clinical testing. Allele origin: germline.
Comment: This sequence change replaces threonine, which is neutral and polar, with proline, which is neutral and non-polar, at codon 466 of the MYOM1 protein (p.Thr466Pro). This variant is present in population databases (rs778619262, gnomAD 0.02%). This variant has not been reported in the literature in individuals affected with MYOM1-related conditions. ClinVar contains an entry for this variant (Variation ID: 2083020). Advanced modeling of protein sequence and biophysical properties (such as structural, functional, and spatial information, amino acid conservation, physicochemical variation, residue mobility, and thermodynamic stability) has been performed at Invitae for this missense variant, however the output from this modeling did not meet the statistical confidence thresholds required to predict the impact of this variant on MYOM1 protein function. In summary, the available evidence is currently insufficient to determine the role of this variant in disease. Therefore, it has been classified as a Variant of Uncertain Significance.

Ambry Genetics
Classification: Uncertain significance. Last evaluated: 2023-06-11. Review status: criteria provided, single submitter. Criteria: Ambry Variant Classification Scheme 2023. Collection method: clinical testing. Allele origin: germline.
Comment: The p.T466P variant (also known as c.1396A>C), located in coding exon 9 of the MYOM1 gene, results from an A to C substitution at nucleotide position 1396. The threonine at codon 466 is replaced by proline, an amino acid with highly similar properties. This amino acid position is conserved. In addition, this alteration is predicted to be deleterious by in silico analysis. Since supporting evidence is limited at this time, the clinical significance of this alteration remains unclear.

NM_003803.4(MYOM1):c.1396A>C (p.Thr466Pro)

Gene: MYOM1 (myomesin 1; minus strand). Cytogenetic location: 18p11.31.
Variant type: single nucleotide variant.
Coding change: c.1396A>C on transcript NM_003803.4 (MANE Select); coding-DNA position 1396, A replaced by C.
Protein change: p.Thr466Pro; replaces threonine 466 with proline.
Molecular consequence: missense variant.
Genome position (GRCh38, 1-based): chr18:3,164,383, T>G on the plus strand (A>C on the coding strand, the complement: MYOM1 is on the minus strand). VCF-style: chr18-3164383-T-G. GRCh37 (hg19) VCF-style: chr18-3164381-T-G.
Other names: c.1396A>C, p.Thr466Pro (NM_019856.2); short protein forms T466P.
Identifiers: ClinVar variation 2083020 (VCV002083020.6), dbSNP rs778619262, ClinGen allele CA8874958.